The following is an entry in ClinVar:

ClinVar aggregate classification (germline): Uncertain significance. Review status: criteria provided, multiple submitters, no conflicts (2 of 4 stars). 2 submissions from 2 submitters: Uncertain significance (2). Last evaluated 2023-10-22.

Conditions:
Inborn genetic diseases. Identifiers: MedGen C0950123, MeSH D030342.
Methylcobalamin deficiency type cblG (HMAG). Also called: HOMOCYSTINURIA-MEGALOBLASTIC ANEMIA, cblG TYPE; HOMOCYSTINURIA-MEGALOBLASTIC ANEMIA DUE TO DEFECT IN COBALAMIN METABOLISM, cblG COMPLEMENTATION TYPE; HOMOCYSTINURIA-MEGALOBLASTIC ANEMIA, cblG COMPLEMENTATION TYPE; Functional methionine synthase deficiency type cblG. Identifiers: Orphanet 2170, Orphanet 622, MedGen C1855128, MONDO:0009609, OMIM 250940.

Allele frequency attached by ClinVar (database versions not stated): gnomAD exomes 0.00001; ExAC 0.00002; gnomAD 0.00003.
gnomAD v4.1: 16 of 1,604,012 alleles (0.001%); highest among the groups gnomAD compares: Admixed American, 0.0034%; no homozygotes.

Submissions (2):

Labcorp Genetics (formerly Invitae), Labcorp
Classification: Uncertain significance for Methylcobalamin deficiency type cblG. Last evaluated: 2023-10-22. Review status: criteria provided, single submitter. Criteria: Invitae Variant Classification Sherloc (09022015). Collection method: clinical testing. Allele origin: germline.
Comment: This sequence change replaces arginine, which is basic and polar, with glutamine, which is neutral and polar, at codon 703 of the MTR protein (p.Arg703Gln). This variant is present in population databases (rs778233369, gnomAD 0.01%). This variant has not been reported in the literature in individuals affected with MTR-related conditions. ClinVar contains an entry for this variant (Variation ID: 2328510). Advanced modeling of protein sequence and biophysical properties (such as structural, functional, and spatial information, amino acid conservation, physicochemical variation, residue mobility, and thermodynamic stability) performed at Invitae indicates that this missense variant is not expected to disrupt MTR protein function. In summary, the available evidence is currently insufficient to determine the role of this variant in disease. Therefore, it has been classified as a Variant of Uncertain Significance.

Ambry Genetics
Classification: Uncertain significance for Inborn genetic diseases. Last evaluated: 2022-11-19. Review status: criteria provided, single submitter. Criteria: Ambry Variant Classification Scheme 2023. Collection method: clinical testing. Allele origin: germline.

NM_000254.3(MTR):c.2108G>A (p.Arg703Gln)

Gene: MTR (5-methyltetrahydrofolate-homocysteine methyltransferase; plus strand). Cytogenetic location: 1q43.
Variant type: single nucleotide variant.
Coding change: c.2108G>A on transcript NM_000254.3 (MANE Select); coding-DNA position 2108, G replaced by A.
Protein change: p.Arg703Gln; replaces arginine 703 with glutamine.
Molecular consequence: missense variant. On other transcripts: intron variant (1).
Genome position (GRCh38, 1-based): chr1:236,861,189, G>A. VCF-style: chr1-236861189-G-A. GRCh37 (hg19) VCF-style: chr1-237024489-G-A.
Other names: c.887G>A, p.Arg296Gln (NM_001291940.2); c.2108G>A, p.Arg703Gln (NM_001410942.1); c.2044-1047G>A (NM_001291939.1); short protein forms R296Q, R703Q.
Identifiers: ClinVar variation 2328510 (VCV002328510.5), dbSNP rs778233369, ClinGen allele CA1474297.
Genomic context (GRCh38, chr1:236,861,189, plus strand): 5'-TTGAAAAACATATTATTGAGGATACTGAGGAAGCCAGGTTAAACCAAAAAAAATATCCCC[G>A]ACCTCTCAATATAATTGAAGGACCCCTGATGAATGGAATGAAAATTGTTGGTGATCTTTT-3'
Protein context (NP_000245.2, residues 693-713): EARLNQKKYP[Arg703Gln]PLNIIEGPLM